The following is an entry in ClinVar:

ClinVar aggregate classification (germline): Uncertain significance (1 of 4 stars; one submission).

Submission:

Labcorp Genetics (formerly Invitae), Labcorp
Classification: Uncertain significance. Last evaluated: 2023-08-09. Review status: criteria provided, single submitter. Criteria: Invitae Variant Classification Sherloc (09022015). Collection method: clinical testing. Allele origin: unknown.
Comment: This variant is a gross deletion of the genomic region encompassing exon(s) 3-4 of the ASRGL1 gene. This deletion is out-of-frame, and is expected to create a premature translational stop signal and result in an absent or disrupted protein product. However, the current clinical and genetic evidence is not sufficient to establish whether loss-of-function variants in ASRGL1 cause disease. This variant has not been reported in the literature in individuals affected with ASRGL1-related conditions. In summary, the available evidence is currently insufficient to determine the role of this variant in disease. Therefore, it has been classified as a Variant of Uncertain Significance.

NC_000011.9:g.(?_62123777)_(62124636_?)del

Gene: ASRGL1 (asparaginase and isoaspartyl peptidase 1; plus strand). Cytogenetic location: 11q12.3.
Variant type: Deletion.
Identifiers: ClinVar variation 3244737 (VCV003244737.1).